The following is an entry in ClinVar:

ClinVar aggregate classification (germline): Uncertain significance (1 of 4 stars; one submission).

Conditions:
Tumor predisposition syndrome 3 (TPDS3). Also called: LONG TELOMERE SYNDROME, POT1-RELATED; POT1 Tumor Predisposition; Melanoma, cutaneous malignant, susceptibility to, 10; Glioma susceptibility 9. Identifiers: Orphanet 618, MedGen C4014476, MONDO:0014368, OMIM 615848.

Submission:

Labcorp Genetics (formerly Invitae), Labcorp
Classification: Uncertain significance for Tumor predisposition syndrome 3. Last evaluated: 2023-04-17. Review status: criteria provided, single submitter. Criteria: Invitae Variant Classification Sherloc (09022015). Collection method: clinical testing. Allele origin: germline.
Comment: In summary, the available evidence is currently insufficient to determine the role of this variant in disease. Therefore, it has been classified as a Variant of Uncertain Significance. Advanced modeling of protein sequence and biophysical properties (such as structural, functional, and spatial information, amino acid conservation, physicochemical variation, residue mobility, and thermodynamic stability) performed at Invitae indicates that this missense variant is not expected to disrupt POT1 protein function. This variant has not been reported in the literature in individuals affected with POT1-related conditions. This variant is not present in population databases (gnomAD no frequency). This sequence change replaces isoleucine, which is neutral and non-polar, with lysine, which is basic and polar, at codon 512 of the POT1 protein (p.Ile512Lys).

NM_015450.3(POT1):c.1535T>A (p.Ile512Lys)

Gene: POT1 (protection of telomeres 1; minus strand). Cytogenetic location: 7q31.33.
Variant type: single nucleotide variant.
Coding change: c.1535T>A on transcript NM_015450.3 (MANE Select); coding-DNA position 1535, T replaced by A.
Protein change: p.Ile512Lys; replaces isoleucine 512 with lysine.
Molecular consequence: missense variant. On other transcripts: non-coding transcript variant (2).
Genome position (GRCh38, 1-based): chr7:124,829,313, A>T on the plus strand (T>A on the coding strand, the complement: POT1 is on the minus strand). VCF-style: chr7-124829313-A-T. GRCh37 (hg19) VCF-style: chr7-124469367-A-T.
Other names: c.1142T>A, p.Ile381Lys (NM_001042594.2); short protein forms I512K, I381K.
Identifiers: ClinVar variation 2857142 (VCV002857142.3), dbSNP rs1314729630, ClinGen allele CA369064560.